The following is an entry in ClinVar:

NM_000540.3(RYR1):c.1286C>T (p.Pro429Leu)

Gene: RYR1 (ryanodine receptor 1; plus strand). Cytogenetic location: 19q13.2.
Variant type: single nucleotide variant.
Coding change: c.1286C>T on transcript NM_000540.3 (MANE Select); coding-DNA position 1286, C replaced by T.
Protein change: p.Pro429Leu; replaces proline 429 with leucine.
Molecular consequence: missense variant.
Genome position (GRCh38, 1-based): chr19:38,452,860, C>T. VCF-style: chr19-38452860-C-T. GRCh37 (hg19) VCF-style: chr19-38943500-C-T.
Other names: c.1286C>T, p.Pro429Leu (NM_001042723.2); short protein forms P429L.
Identifiers: ClinVar variation 590419 (VCV000590419.11), dbSNP rs201054455, ClinGen allele CA059503.
Genomic context (GRCh38, chr19:38,452,860, plus strand): 5'-AGCTGCGAGGTCCCTGTAGGAGCCTGGACAGCTTCAGCGGGAAGCCACGGGGCTCGGGGC[C>T]ACCCGCTGGCACGGCGCTGCCCATCGAGGGCGTTATCCTGAGCCTGCAGGACCTCATCAT-3'
Protein context (NP_000531.2, residues 419-439): SFSGKPRGSG[Pro429Leu]PAGTALPIEG

ClinVar aggregate classification (germline): Uncertain significance. Review status: criteria provided, multiple submitters, no conflicts (2 of 4 stars). 6 submissions from 6 submitters: Uncertain significance (6). Last evaluated 2024-07-15.

Conditions:
Congenital multicore myopathy with external ophthalmoplegia (CMYO1B). Also called: MULTIMINICORE DISEASE WITH EXTERNAL OPHTHALMOPLEGIA; Congenital myopathy 1B, autosomal recessive; Minicore myopathy; Minicore myopathy with external ophthalmoplegia; MULTICORE MYOPATHY. Identifiers: Orphanet 598, Orphanet 98905, MedGen C1850674, MONDO:0009712, OMIM 255320, HP:0003789.
Congenital myopathy with fiber type disproportion. Also called: Congenital fiber-type disproportion myopathy; Congenital fiber-type disproportion. Identifiers: Orphanet 2020, MedGen C0546264, MONDO:0009711. Inheritance: all.
Malignant hyperthermia, susceptibility to, 1 (MHS1). Also called: Anesthesia related hyperthermia; Malignant hyperpyrexia; Fulminating hyperpyrexia; Pharmacogenic myopathy; RYR1-Related Malignant Hyperthermia Susceptibility; Malignant hyperthermia suceptibility 1. Identifiers: Orphanet 423, MedGen C2930980, MONDO:0007783, OMIM 145600.
Central core myopathy (CMYO1A). Also called: CONGENITAL MYOPATHY 1A, AUTOSOMAL DOMINANT, WITH SUSCEPTIBILITY TO MALIGNANT HYPERTHERMIA; Central core disease; Myopathy, central fibrillar. Identifiers: Orphanet 597, MedGen C5830701, MONDO:0007294, OMIM 117000.
King Denborough syndrome (KDS). Identifiers: MedGen C1840365, MONDO:0020485, OMIM 619542.
RYR1-related disorder. Also called: RYR1-related disorders; RYR1-related condition. Identifiers: MedGen CN239331.

Allele frequency attached by ClinVar (database versions not stated): gnomAD exomes 0.00002 and 0.00003; TOPMed 0.00003; ExAC 0.00006; gnomAD 0.00007; 1000 Genomes Project 30x 0.00016; 1000 Genomes Project 0.00020.
gnomAD v4.1: 41 of 1,608,194 alleles (0.0025%); highest among the groups gnomAD compares: Non-Finnish European, 0.0027%; no homozygotes.

Submissions (6):

GeneDx
Classification: Uncertain significance. Last evaluated: 2024-07-15. Review status: criteria provided, single submitter. Criteria: GeneDx Variant Classification Process June 2021. Collection method: clinical testing. Allele origin: germline. Affected: yes.
Comment: Not observed at significant frequency in large population cohorts (gnomAD); In silico analysis supports that this missense variant has a deleterious effect on protein structure/function; Has not been previously published as pathogenic or benign to our knowledge; This variant is associated with the following publications: (PMID: 34528764, 33767344, 32236737, 28991257)

Labcorp Genetics (formerly Invitae), Labcorp
Classification: Uncertain significance for RYR1-related disorder. Last evaluated: 2024-05-30. Review status: criteria provided, single submitter. Criteria: Invitae Variant Classification Sherloc (09022015). Collection method: clinical testing. Allele origin: germline.
Comment: This sequence change replaces proline, which is neutral and non-polar, with leucine, which is neutral and non-polar, at codon 429 of the RYR1 protein (p.Pro429Leu). This variant is present in population databases (rs201054455, gnomAD 0.01%). This variant has not been reported in the literature in individuals affected with RYR1-related conditions. ClinVar contains an entry for this variant (Variation ID: 590419). Advanced modeling of protein sequence and biophysical properties (such as structural, functional, and spatial information, amino acid conservation, physicochemical variation, residue mobility, and thermodynamic stability) performed at Invitae indicates that this missense variant is not expected to disrupt RYR1 protein function with a negative predictive value of 95%. In summary, the available evidence is currently insufficient to determine the role of this variant in disease. Therefore, it has been classified as a Variant of Uncertain Significance.

Color Diagnostics, LLC DBA Color Health
Classification: Uncertain significance for Malignant hyperthermia, susceptibility to, 1. Last evaluated: 2024-05-17. Review status: criteria provided, single submitter. Criteria: ACMG Guidelines, 2015. Collection method: clinical testing. Allele origin: germline.
Comment: This missense variant replaces proline with leucine at codon 429 of the RYR1 protein. Computational prediction suggests that this variant may not impact protein structure and function. To our knowledge, functional studies have not been reported for this variant. This variant has not been reported in individuals affected with RYR1-related disorders in the literature. This variant has been identified in 10/265888 chromosomes in the general population by the Genome Aggregation Database (gnomAD). The available evidence is insufficient to determine the role of this variant in disease conclusively. Therefore, this variant is classified as a Variant of Uncertain Significance.

Revvity Omics, Revvity
Classification: Uncertain significance. Last evaluated: 2023-08-16. Review status: criteria provided, single submitter. Criteria: ACMG Guidelines, 2015. Collection method: clinical testing. Allele origin: germline.

Fulgent Genetics
Classification: Uncertain significance for Central core myopathy; Malignant hyperthermia, susceptibility to, 1; Congenital myopathy 4A, autosomal dominant; Congenital multicore myopathy with external ophthalmoplegia; King Denborough syndrome. Last evaluated: 2021-08-10. Review status: criteria provided, single submitter. Criteria: ACMG Guidelines, 2015. Collection method: clinical testing. Allele origin: unknown.

PreventionGenetics, part of Exact Sciences
Classification: Uncertain significance. Last evaluated: 2016-02-03. Review status: criteria provided, single submitter. Criteria: ACMG Guidelines, 2015. Collection method: clinical testing. Allele origin: germline.